The following is an entry in ClinVar:

NM_000071.3(CBS):c.151A>C (p.Arg51=)

Gene: CBS (cystathionine beta-synthase; minus strand). Cytogenetic location: 21q22.3.
Variant type: single nucleotide variant.
Coding change: c.151A>C on transcript NM_000071.3 (MANE Select); coding-DNA position 151, A replaced by C.
Protein change: p.Arg51=; no amino-acid change (arginine 51 retained).
Molecular consequence: synonymous variant.
Genome position (GRCh38, 1-based): chr21:43,072,043, T>G on the plus strand (A>C on the coding strand, the complement: CBS is on the minus strand). VCF-style: chr21-43072043-T-G. GRCh37 (hg19) VCF-style: chr21-44492153-T-G.
Other names: c.151A>C, p.Arg51= (NM_001178008.3, NM_001178009.3, NM_001320298.2).
Identifiers: ClinVar variation 682280 (VCV000682280.19), dbSNP rs754759237, ClinGen allele CA321103870.
Genomic context (GRCh38, chr21:43,072,043, plus strand): 5'-ACGGGGCAGTGTGGTGATGTGGGGACTCGGAGGCAGGCCGGCCCAGCTGCCAGGTGCACC[T>G]GCTCGGAGCATCGGGCCGGATCCACAGGGGCTCCTTGGCTTCCTTATCCTCTGGGGACCC-3'
Protein context (NP_000062.1, residues 41-61): PLWIRPDAPS[Arg51=]CTWQLGRPAS

ClinVar aggregate classification (germline): Likely benign. Review status: criteria provided, multiple submitters, no conflicts (2 of 4 stars). 6 submissions from 6 submitters: Likely benign (4). 2 of the submissions do not count toward it. Last evaluated 2025-12-20.

Conditions:
CBS-related disorder. Also called: CBS-related condition.
HYPERHOMOCYSTEINEMIA, THROMBOTIC, CBS-RELATED. Identifiers: MedGen C3150344, OMIM 236200.
Familial thoracic aortic aneurysm and aortic dissection (TAAD). Also called: Thoracic aortic aneurysms and dissections. Identifiers: Orphanet 91387, MedGen C4707243, MONDO:0019625.
Classic homocystinuria. Also called: Homocystinuria due to Cystathionine Beta-Synthase Deficiency; Homocystinuria due to CBS deficiency; Cystathionine beta-synthase deficiency; CBS deficiency; HOMOCYSTINURIA WITH OR WITHOUT RESPONSE TO PYRIDOXINE. Identifiers: Orphanet 394, MedGen C0751202, MONDO:0009352, OMIM 236200.

Allele frequency attached by ClinVar (database versions not stated): ExAC 0.00003; gnomAD exomes 0.00008; gnomAD 0.00010.

Submissions (6):

Labcorp Genetics (formerly Invitae), Labcorp
Classification: Likely benign for HYPERHOMOCYSTEINEMIA, THROMBOTIC, CBS-RELATED. Last evaluated: 2025-12-20. Review status: criteria provided, single submitter. Criteria: Invitae Variant Classification Sherloc (09022015). Collection method: clinical testing. Allele origin: germline.

Ambry Genetics
Classification: Likely benign for Familial thoracic aortic aneurysm and aortic dissection. Last evaluated: 2023-11-09. Review status: criteria provided, single submitter. Criteria: Ambry Variant Classification Scheme 2023. Collection method: clinical testing. Allele origin: germline.

Blueprint Genetics
Classification: Likely benign. Last evaluated: 2023-06-07. Review status: criteria provided, single submitter. Criteria: ACMG Guidelines, 2015. Collection method: clinical testing. Allele origin: germline.

GeneDx
Classification: Likely benign. Last evaluated: 2020-07-21. Review status: criteria provided, single submitter. Criteria: GeneDx Variant Classification Process June 2021. Collection method: clinical testing. Allele origin: germline. Affected: yes.

PreventionGenetics, part of Exact Sciences
Classification: Likely benign for CBS-related condition. Last evaluated: 2024-06-18. Review status: no assertion criteria provided. Collection method: clinical testing. Allele origin: germline. Not counted in ClinVar's aggregate classification.
Comment: This variant is classified as likely benign based on ACMG/AMP sequence variant interpretation guidelines (Richards et al. 2015 PMID: 25741868, with internal and published modifications).

Natera, Inc.
Classification: Likely benign for Homocystinuria due to cystathionine beta-synthase deficiency. Last evaluated: 2020-02-12. Review status: no assertion criteria provided. Collection method: clinical testing. Allele origin: germline. Not counted in ClinVar's aggregate classification.